The following is an entry in ClinVar:

ClinVar aggregate classification (germline): Likely benign (0 of 4 stars; one submission).

Conditions:
PAX5-related disorder. Also called: PAX5-related condition.

Allele frequency attached by ClinVar (database versions not stated): TOPMed 0.00002; gnomAD 0.00005; gnomAD exomes 0.00005; 1000 Genomes Project 30x 0.00016; ExAC 0.00024; 1000 Genomes Project 0.00040.
gnomAD v4.1: 79 of 1,575,956 alleles (0.005%); highest among the groups gnomAD compares: East Asian, 0.016%; no homozygotes.

Submission:

PreventionGenetics, part of Exact Sciences
Classification: Likely benign for PAX5-related condition. Last evaluated: 2020-11-16. Review status: no assertion criteria provided. Collection method: clinical testing. Allele origin: germline.
Comment: This variant is classified as likely benign based on ACMG/AMP sequence variant interpretation guidelines (Richards et al. 2015 PMID: 25741868, with internal and published modifications).

NM_016734.3(PAX5):c.*16G>A

Gene: PAX5 (paired box 5; minus strand). Cytogenetic location: 9p13.2.
Variant type: single nucleotide variant.
Coding change: c.*16G>A on transcript NM_016734.3 (MANE Select); 16 bases downstream of the stop codon, G replaced by A.
Molecular consequence: 3 prime UTR variant. On other transcripts: synonymous variant (2), non-coding transcript variant (2).
Genome position (GRCh38, 1-based): chr9:36,840,544, C>T on the plus strand (G>A on the coding strand, the complement: PAX5 is on the minus strand). VCF-style: chr9-36840544-C-T. GRCh37 (hg19) VCF-style: chr9-36840541-C-T.
Other names: c.*16G>A (NM_001280547.2, NM_001280548.2, NM_001280551.2 and 5 more transcripts); c.960G>A, p.Ala320= (NM_001280549.2); c.873G>A, p.Ala291= (NM_001280550.2).
Identifiers: ClinVar variation 3036751 (VCV003036751.2), dbSNP rs537480017, ClinGen allele CA5057998.